The following is an entry in ClinVar:

ClinVar aggregate classification (germline): Uncertain significance (1 of 4 stars; one submission).

Submission:

Women's Health and Genetics/Laboratory Corporation of America, LabCorp
Classification: Uncertain significance. Last evaluated: 2024-05-28. Review status: criteria provided, single submitter. Criteria: LabCorp Variant Classification Summary - May 2015. Collection method: clinical testing. Allele origin: germline.
Comment: Variant summary: RPS23 c.-14G>T is located in the untranslated mRNA region upstream of the initiation codon. The frequency data for this variant in gnomAD is considered unreliable, as metrics indicate poor data quality at this position. To our knowledge, no occurrence of c.-14G>T in individuals affected with Brachycephaly, Trichomegaly, And Developmental Delay and no experimental evidence demonstrating its impact on protein function have been reported. No submitters have cited clinical-significance assessments for this variant to ClinVar. Based on the evidence outlined above, the variant was classified as uncertain significance.

NM_001025.5(RPS23):c.-14G>T

Gene: RPS23 (ribosomal protein S23; minus strand). Cytogenetic location: 5q14.2.
Variant type: single nucleotide variant.
Coding change: c.-14G>T on transcript NM_001025.5 (MANE Select); 14 bases upstream of the start codon, G replaced by T.
Molecular consequence: 5 prime UTR variant.
Genome position (GRCh38, 1-based): chr5:82,278,337, C>A on the plus strand (G>T on the coding strand, the complement: RPS23 is on the minus strand). VCF-style: chr5-82278337-C-A. GRCh37 (hg19) VCF-style: chr5-81574156-C-A.
Identifiers: ClinVar variation 3336357 (VCV003336357.1).